The following is an entry in ClinVar:

ClinVar aggregate classification (germline): Likely pathogenic (1 of 4 stars; one submission).

gnomAD v4.1: 15 of 1,613,974 alleles (0.00093%); highest among the groups gnomAD compares: African/African-American, 0.0053%; no homozygotes.

Submission:

Labcorp Genetics (formerly Invitae), Labcorp
Classification: Likely pathogenic. Last evaluated: 2025-09-15. Review status: criteria provided, single submitter. Criteria: Invitae Variant Classification Sherloc (09022015). Collection method: clinical testing. Allele origin: germline.
Comment: This sequence change affects a donor splice site in intron 2 of the PODXL gene. It is expected to disrupt RNA splicing. Variants that disrupt the donor or acceptor splice site typically lead to a loss of protein function (PMID: 16199547), and loss-of-function variants in PODXL are known to be pathogenic (PMID: 30523047). This variant is present in population databases (rs137907090, gnomAD 0.004%). Disruption of this splice site has been observed in individual(s) with PODXL-related conditions (internal data). Algorithms developed to predict the effect of sequence changes on RNA splicing suggest that this variant may disrupt the consensus splice site. In summary, the currently available evidence indicates that the variant is pathogenic, but additional data are needed to prove that conclusively. Therefore, this variant has been classified as Likely Pathogenic.

Literature cited by the submitters: PubMed 16199547; PubMed 30523047.

NM_001018111.3(PODXL):c.706+1G>A

Gene: PODXL (podocalyxin like; minus strand). Cytogenetic location: 7q32.3.
Variant type: single nucleotide variant.
Coding change: c.706+1G>A on transcript NM_001018111.3 (MANE Select); the canonical splice donor site of the intron after coding-DNA position 706, G replaced by A.
Molecular consequence: splice donor variant.
Genome position (GRCh38, 1-based): chr7:131,510,827, C>T on the plus strand (G>A on the coding strand, the complement: PODXL is on the minus strand). VCF-style: chr7-131510827-C-T. GRCh37 (hg19) VCF-style: chr7-131195586-C-T.
Other names: c.706+1G>A (NM_005397.4).
Identifiers: ClinVar variation 4701568 (VCV004701568.1).